The following is an entry in ClinVar:

ClinVar aggregate classification (germline): Uncertain significance (1 of 4 stars; one submission).

Conditions:
Inborn genetic diseases. Identifiers: MedGen C0950123, MeSH D030342.

Submission:

Ambry Genetics
Classification: Uncertain significance for Inborn genetic diseases. Last evaluated: 2026-08-04. Review status: criteria provided, single submitter. Criteria: Ambry Variant Classification Scheme 2023. Collection method: clinical testing. Allele origin: germline.
Comment: The c.118T>C (p.Y40H) alteration is located in exon 3 (coding exon 1) of the HNRNPC gene. This alteration results from a T to C substitution at nucleotide position 118, causing the tyrosine (Y) at amino acid position 40 to be replaced by a histidine (H). Based on data from gnomAD, the C allele has an overall frequency of <0.001% (0/250066) total alleles studied. The highest observed frequency was <0.001% (/) of alleles. Based on insufficient or conflicting evidence, the clinical significance of this alteration remains unclear.

NM_004500.4(HNRNPC):c.118T>C (p.Tyr40His)

Gene: HNRNPC (heterogeneous nuclear ribonucleoprotein C; minus strand). Cytogenetic location: 14q11.2.
Variant type: single nucleotide variant.
Coding change: c.118T>C on transcript NM_004500.4 (MANE Select); coding-DNA position 118, T replaced by C.
Protein change: p.Tyr40His; replaces tyrosine 40 with histidine.
Molecular consequence: missense variant.
Genome position (GRCh38, 1-based): chr14:21,234,076, A>G on the plus strand (T>C on the coding strand, the complement: HNRNPC is on the minus strand). VCF-style: chr14-21234076-A-G. GRCh37 (hg19) VCF-style: chr14-21702235-A-G.
Other names: c.118T>C, p.Tyr40His (NM_001077442.2, NM_001077443.2, NM_031314.3); short protein forms Y40H.
Identifiers: ClinVar variation 5022677 (VCV005022677.1).
Genomic context (GRCh38, chr14:21,234,076, plus strand): 5'-CATTAACATACTGAACGAAGGCAAAGCCCTTATGAACAGAGCAGCCCACAATTTTGCCAT[A>G]CTTCGAAAAGATTGCCTCCACATCAGATTTCTTGACCACAAGAGTGTTGAGATTCCCAAT-3'
Protein context (NP_004491.2, residues 30-50): KSDVEAIFSK[Tyr40His]GKIVGCSVHK